The following is an entry in ClinVar:

NM_020937.4(FANCM):c.4779+5_4779+9del

Gene: FANCM (FA complementation group M; plus strand). Cytogenetic location: 14q21.2.
Variant type: Deletion.
Coding change: c.4779+5_4779+9del on transcript NM_020937.4 (MANE Select); bases 5 to 9 of the intron after coding-DNA position 4779, 5 bases deleted (GAACT; older notation c.4779+5_4779+9delGAACT).
Molecular consequence: intron variant.
Genome position (GRCh38, 1-based): chr14:45,187,892-45,187,896, GAACT deleted; deleting any 5 consecutive bases within chr14:45,187,891-45,187,896 gives the same sequence; the c. name uses the placement nearest the transcript's 3' end. VCF-style (leftmost placement, unchanged base first): chr14-45187890-ATGAAC-A. GRCh37 (hg19) VCF-style: chr14-45657093-ATGAAC-A.
Other names: c.4701+5_4701+9del (NM_001308133.2).
Identifiers: ClinVar variation 844012 (VCV000844012.7), dbSNP rs1889507289, ClinGen allele CA916081713.

ClinVar aggregate classification (germline): Uncertain significance (1 of 4 stars; one submission).

Conditions:
Fanconi anemia (FA). Also called: Fanconi's anemia. Identifiers: Orphanet 84, MedGen C0015625, MeSH D005199, MONDO:0019391.

Submission:

Labcorp Genetics (formerly Invitae), Labcorp
Classification: Uncertain significance for Fanconi anemia. Last evaluated: 2022-03-07. Review status: criteria provided, single submitter. Criteria: Invitae Variant Classification Sherloc (09022015). Collection method: clinical testing. Allele origin: germline.
Comment: In summary, the available evidence is currently insufficient to determine the role of this variant in disease. Therefore, it has been classified as a Variant of Uncertain Significance. Variants that disrupt the consensus splice site are a relatively common cause of aberrant splicing (PMID: 17576681, 9536098). Algorithms developed to predict the effect of sequence changes on RNA splicing suggest that this variant may disrupt the consensus splice site. ClinVar contains an entry for this variant (Variation ID: 844012). This variant has not been reported in the literature in individuals affected with FANCM-related conditions. This variant is not present in population databases (gnomAD no frequency). This sequence change falls in intron 19 of the FANCM gene. It does not directly change the encoded amino acid sequence of the FANCM protein. It affects a nucleotide within the consensus splice site.

Literature cited by the submitters: PubMed 17576681; PubMed 9536098.